The following is an entry in ClinVar:

NM_024809.5(TCTN2):c.268-82A>G

Gene: TCTN2 (tectonic family member 2; plus strand). Cytogenetic location: 12q24.31.
Variant type: single nucleotide variant.
Coding change: c.268-82A>G on transcript NM_024809.5 (MANE Select); 82 bases into the intron before coding-DNA position 268, A replaced by G.
Molecular consequence: intron variant.
Genome position (GRCh38, 1-based): chr12:123,673,533, A>G. VCF-style: chr12-123673533-A-G. GRCh37 (hg19) VCF-style: chr12-124158080-A-G.
Other names: c.268-85A>G (NM_001143850.3).
Identifiers: ClinVar variation 675008 (VCV000675008.2), dbSNP rs7978447, ClinGen allele CA13677929.
Genomic context (GRCh38, chr12:123,673,533, plus strand): 5'-GATAACTGTGTCATCTCTGTATACATTTCCCTTTTATAAAATGAACGGAGGCTGATGTGT[A>G]CTTTTATTGTGTTTTCCATTATGTATTCTTATAGACCCTGTTTTGAGTCACTTTAAAAAT-3'

ClinVar aggregate classification (germline): Benign. Review status: criteria provided, multiple submitters, no conflicts (2 of 4 stars). 2 submissions from 2 submitters: Benign (2). Last evaluated 2018-06-14.

Allele frequency attached by ClinVar (database versions not stated): 1000 Genomes Project 0.27157; 1000 Genomes Project 30x 0.27608; gnomAD 0.35659 and 0.36369; TOPMed 0.35695; gnomAD exomes 0.36393.
gnomAD v4.1: 492,416 of 1,357,402 alleles (36%); highest among the groups gnomAD compares: African/African-American, 41%; 93,939 homozygotes.

Submissions (2):

GeneDx
Classification: Benign. Last evaluated: 2018-06-14. Review status: criteria provided, single submitter. Criteria: GeneDx Variant Classification (06012015). Collection method: clinical testing. Allele origin: germline. Affected: yes.
Comment: This variant is considered likely benign or benign based on one or more of the following criteria: it is a conservative change, it occurs at a poorly conserved position in the protein, it is predicted to be benign by multiple in silico algorithms, and/or has population frequency not consistent with disease.

Breakthrough Genomics
Classification: Benign. Review status: criteria provided, single submitter. Criteria: ACMG Guidelines, 2015. Collection method: not provided. Allele origin: germline. Inheritance: Autosomal recessive inheritance. Affected: yes.